The following is an entry in ClinVar:

ClinVar aggregate classification (germline): Conflicting classifications of pathogenicity. Review status: criteria provided, conflicting classifications (1 of 4 stars). 8 submissions from 8 submitters: Uncertain significance (6); Likely benign (1). 1 of the submissions does not count toward it. Last evaluated 2025-11-25.

Conditions:
Hereditary cancer-predisposing syndrome. Also called: Hereditary Cancer Syndrome; Hereditary neoplastic syndrome; Tumor predisposition; Neoplastic Syndromes, Hereditary. Identifiers: Orphanet 140162, MedGen C0027672, MeSH D009386, MONDO:0015356.
Bloom syndrome (BLM). Also called: Bloom-Torre-Machacek syndrome. Identifiers: Orphanet 125, MedGen C0005859, MONDO:0008876, OMIM 210900.

Allele frequency attached by ClinVar (database versions not stated): gnomAD below 0.00001 and 0.00003; TOPMed 0.00002; gnomAD exomes 0.00004 and 0.00009; ExAC 0.00011.
gnomAD v4.1: 63 of 1,588,860 alleles (0.004%); highest among the groups gnomAD compares: South Asian, 0.069%; no homozygotes.

Submissions (8):

Labcorp Genetics (formerly Invitae), Labcorp
Classification: Uncertain significance for Bloom syndrome. Last evaluated: 2025-11-25. Review status: criteria provided, single submitter. Criteria: Invitae Variant Classification Sherloc (09022015). Collection method: clinical testing. Allele origin: germline.
Comment: This sequence change replaces cysteine, which is neutral and slightly polar, with tyrosine, which is neutral and polar, at codon 1067 of the BLM protein (p.Cys1067Tyr). This variant is present in population databases (rs587779885, gnomAD 0.06%). This variant has not been reported in the literature in individuals affected with BLM-related conditions. ClinVar contains an entry for this variant (Variation ID: 127496). Invitae Evidence Modeling of protein sequence and biophysical properties (such as structural, functional, and spatial information, amino acid conservation, physicochemical variation, residue mobility, and thermodynamic stability) indicates that this missense variant is not expected to disrupt BLM protein function with a negative predictive value of 80%. In summary, the available evidence is currently insufficient to determine the role of this variant in disease. Therefore, it has been classified as a Variant of Uncertain Significance.

Ambry Genetics
Classification: Likely benign for Hereditary cancer-predisposing syndrome. Last evaluated: 2025-05-19. Review status: criteria provided, single submitter. Criteria: Ambry Variant Classification Scheme 2023. Collection method: clinical testing. Allele origin: germline.

Revvity Omics, Revvity
Classification: Uncertain significance for Bloom syndrome. Last evaluated: 2023-12-27. Review status: criteria provided, single submitter. Criteria: ACMG Guidelines, 2015. Collection method: clinical testing. Allele origin: germline.

Quest Diagnostics Nichols Institute San Juan Capistrano
Classification: Uncertain significance. Last evaluated: 2023-09-08. Review status: criteria provided, single submitter. Criteria: Quest Diagnostics criteria. Collection method: clinical testing. Allele origin: unknown.
Comment: To the best of our knowledge, this variant has not been reported in the published literature. The frequency of this variant in the general population, 0.00068 (18/26328 chromosomes in South Asian subpopulation (Genome Aggregation Database)), is higher than would generally be expected for pathogenic variants in this gene. Analysis of this variant using bioinformatics tools for the prediction of the effect of amino acid changes on protein structure and function yielded predictions that this variant is benign. Based on the available information, we are unable to determine the clinical significance of this variant.

Sema4
Classification: Uncertain significance for Hereditary cancer-predisposing syndrome. Last evaluated: 2021-08-25. Review status: criteria provided, single submitter. Criteria: Sema4 Curation Guidelines. Collection method: curation. Allele origin: germline.
Comment: The BLM c.3200G>A (p.C1067Y) variant has not been reported in the literature to our knowledge. This variant was observed in 18/26328 chromosomes in the South Asian population, according to the Genome Aggregation Database (PMID: 32461654). This variant has been reported in ClinVar (Variation ID 127496). Functional studies have not been performed, and in silico predictions of the variant's effect on protein function are inconclusive. The overall evidence is insufficient to meet ACMG/AMP criteria for classifying it as benign or pathogenic. In summary, the clinical significance of this variant is currently uncertain.

St. Jude Molecular Pathology, St. Jude Children's Research Hospital
Classification: Uncertain significance for Bloom syndrome. Last evaluated: 2021-02-11. Review status: criteria provided, single submitter. Criteria: St. Jude Assertion Criteria 2020. Collection method: clinical testing. Allele origin: germline.
Comment: The BLM c.3200G>A (p.Cys1067Tyr) missense change has a maximum subpopulation frequency of 0.068% in gnomAD v2.1.1. Seven of seven in silico tools predict a benign effect of this variant on protein function (BP4), but these predictions have not been confirmed by functional studies. To our knowledge, this variant has not been reported in individuals with Bloom syndrome. In summary, this variant meets criteria to be classified as of uncertain significance based on the ACMG/AMP criteria: BP4.

GeneDx
Classification: Uncertain significance. Last evaluated: 2014-02-03. Review status: criteria provided, single submitter. Criteria: GeneDx Variant Classification (06012015). Collection method: clinical testing. Allele origin: germline. Affected: yes.
Comment: Single pathogenic variants in BLM have only recently been described in association with cancer predisposition and the risks are not well understood. This variant is denoted BLM c.3200G>A at the cDNA level, p.Cys1067Tyr (C1067Y) at the protein level, and results in the change of a Cysteine to a Tyrosine (TGT>TAT). This variant has not, to our knowledge, been published in the literature as pathogenic or benign. BLM Cys1067Tyr was not observed in approximately 6,500 individuals of European and African American ancestry in the NHLBI Exome Sequencing Project, indicating it is not a common benign variant in these populations. This variant is a non-conservative amino acid substitution, altering a position that is moderately conserved throughout evolution and is not located in a known functional domain. In silico analyses predict this variant to have a benign effect on protein structure and function. Based on the currently available information, we consider BLM Cys1067Tyr to be a variant of uncertain significance. Furthermore, based on the currently available information, cancer risks associated with this variant, and with single variants the BLM gene in general, remain unclear.

Natera, Inc.
Classification: Uncertain significance for Bloom syndrome. Last evaluated: 2019-07-25. Review status: no assertion criteria provided. Collection method: clinical testing. Allele origin: germline. Not counted in ClinVar's aggregate classification.

NM_000057.4(BLM):c.3200G>A (p.Cys1067Tyr)

Gene: BLM (BLM RecQ like helicase; plus strand). Cytogenetic location: 15q26.1.
Variant type: single nucleotide variant.
Coding change: c.3200G>A on transcript NM_000057.4 (MANE Select); coding-DNA position 3200, G replaced by A.
Protein change: p.Cys1067Tyr; replaces cysteine 1067 with tyrosine.
Molecular consequence: missense variant.
Genome position (GRCh38, 1-based): chr15:90,794,347, G>A. VCF-style: chr15-90794347-G-A. GRCh37 (hg19) VCF-style: chr15-91337577-G-A.
Other names: p.C1067Y:TGT>TAT; c.3200G>A, p.Cys1067Tyr (NM_001287246.2, NM_001287247.2); c.2075G>A, p.Cys692Tyr (NM_001287248.2); c.3200G>A (LRG_20t1); short protein forms C1067Y, C692Y.
Identifiers: ClinVar variation 127496 (VCV000127496.14), dbSNP rs587779885, ClinGen allele CA287093.
Genomic context (GRCh38, chr15:90,794,347, plus strand): 5'-AAAATGGATTTAATCCTGATTTTTGTAAGAAACACCCAGATGTTTCTTGTGATAATTGCT[G>A]TAAAACAAAGGTAAAAAAAGAAGTTTTAAAATTCTTTATAATTAAATTTTTTTTCTCTTA-3'
Protein context (NP_000048.1, residues 1057-1077): KHPDVSCDNC[Cys1067Tyr]KTKDYKTRDV